The following is an entry in ClinVar:

NM_001378778.1(MPDZ):c.5344A>G (p.Asn1782Asp)

Gene: MPDZ (multiple PDZ domain crumbs cell polarity complex component; minus strand). Cytogenetic location: 9p23.
Variant type: single nucleotide variant.
Coding change: c.5344A>G on transcript NM_001378778.1 (MANE Select); coding-DNA position 5344, A replaced by G.
Protein change: p.Asn1782Asp; replaces asparagine 1782 with aspartic acid.
Molecular consequence: missense variant.
Genome position (GRCh38, 1-based): chr9:13,119,537, T>C on the plus strand (A>G on the coding strand, the complement: MPDZ is on the minus strand). VCF-style: chr9-13119537-T-C. GRCh37 (hg19) VCF-style: chr9-13119536-T-C.
Other names: c.5245A>G, p.Asn1749Asp (NM_001261406.2, NM_001261407.2, NM_001375416.1 and 3 more transcripts); c.5344A>G, p.Asn1782Asp (NM_001330637.2, NM_003829.5); c.5443A>G, p.Asn1815Asp (NM_001375413.1); c.5134A>G, p.Asn1712Asp (NM_001375420.1, NM_001375421.1, NM_001375422.1 and 4 more transcripts); c.4936A>G, p.Asn1646Asp (NM_001375427.1); short protein forms N1749D, N1782D, N1815D, N1712D, N1646D.
Identifiers: ClinVar variation 1995533 (VCV001995533.4), dbSNP rs2538290940, ClinGen allele CA372943523.

ClinVar aggregate classification (germline): Uncertain significance (1 of 4 stars; one submission).

Submission:

Labcorp Genetics (formerly Invitae), Labcorp
Classification: Uncertain significance. Last evaluated: 2022-09-01. Review status: criteria provided, single submitter. Criteria: Invitae Variant Classification Sherloc (09022015). Collection method: clinical testing. Allele origin: germline.
Comment: This sequence change replaces asparagine, which is neutral and polar, with aspartic acid, which is acidic and polar, at codon 1782 of the MPDZ protein (p.Asn1782Asp). In summary, the available evidence is currently insufficient to determine the role of this variant in disease. Therefore, it has been classified as a Variant of Uncertain Significance. Algorithms developed to predict the effect of missense changes on protein structure and function output the following: SIFT: "Tolerated"; PolyPhen-2: "Benign"; Align-GVGD: "Class C0". The aspartic acid amino acid residue is found in multiple mammalian species, which suggests that this missense change does not adversely affect protein function. This variant has not been reported in the literature in individuals affected with MPDZ-related conditions. This variant is not present in population databases (gnomAD no frequency).